The following is an entry in ClinVar:

ClinVar aggregate classification (germline): Uncertain significance (1 of 4 stars; one submission).

Conditions:
Hereditary cancer-predisposing syndrome. Also called: Tumor predisposition; Hereditary Cancer Syndrome; Neoplastic Syndromes, Hereditary; Hereditary neoplastic syndrome. Identifiers: Orphanet 140162, MedGen C0027672, MeSH D009386, MONDO:0015356.

Submission:

Ambry Genetics
Classification: Uncertain significance for Hereditary cancer-predisposing syndrome. Last evaluated: 2024-09-16. Review status: criteria provided, single submitter. Criteria: Ambry Variant Classification Scheme 2023. Collection method: clinical testing. Allele origin: germline.
Comment: The p.H2788D variant (also known as c.8362C>G), located in coding exon 56 of the ATM gene, results from a C to G substitution at nucleotide position 8362. The histidine at codon 2788 is replaced by aspartic acid, an amino acid with similar properties. This amino acid position is conserved. In addition, this alteration is predicted to be deleterious by in silico analysis. Based on the available evidence, the clinical significance of this variant remains unclear.

NM_000051.4(ATM):c.8362C>G (p.His2788Asp)

Genes: ATM (ATM serine/threonine kinase; plus strand), C11orf65 (chromosome 11 open reading frame 65; minus strand). Cytogenetic location: 11q22.3.
Variant type: single nucleotide variant.
Coding change: c.8362C>G on transcript NM_000051.4 (MANE Select); coding-DNA position 8362, C replaced by G.
Protein change: p.His2788Asp; replaces histidine 2788 with aspartic acid.
Molecular consequence: missense variant. On other transcripts: intron variant (2).
Genome position (GRCh38, 1-based): chr11:108,343,315, C>G. VCF-style: chr11-108343315-C-G. GRCh37 (hg19) VCF-style: chr11-108214042-C-G.
Other names: c.8362C>G, p.His2788Asp (NM_001351834.2); c.641-34244G>C (NM_001330368.2); c.695-8023G>C (NM_001351110.2); short protein forms H2788D.
Identifiers: ClinVar variation 3451349 (VCV003451349.1).